The following is an entry in ClinVar:

ClinVar aggregate classification (germline): Uncertain significance (1 of 4 stars; one submission).

Submission:

Labcorp Genetics (formerly Invitae), Labcorp
Classification: Uncertain significance. Last evaluated: 2023-07-25. Review status: criteria provided, single submitter. Criteria: Invitae Variant Classification Sherloc (09022015). Collection method: clinical testing. Allele origin: germline.
Comment: In summary, the available evidence is currently insufficient to determine the role of this variant in disease. Therefore, it has been classified as a Variant of Uncertain Significance. Experimental studies and prediction algorithms are not available or were not evaluated, and the functional significance of this variant is currently unknown. This variant has not been reported in the literature in individuals affected with HMCN1-related conditions. This variant is present in population databases (rs780540470, gnomAD 0.0009%). This variant, c.1084_1086del, results in the deletion of 1 amino acid(s) of the HMCN1 protein (p.Leu362del), but otherwise preserves the integrity of the reading frame.

NM_031935.3(HMCN1):c.1081CTT[1] (p.Leu362del)

Gene: HMCN1 (hemicentin 1; plus strand). Cytogenetic location: 1q31.1.
Variant type: Microsatellite.
Coding change: c.1081CTT[1] on transcript NM_031935.3 (MANE Select); one copy of the 3-base unit CTT starting at c.1081; the reference has two copies in a row; one copy, 3 bases deleted.
Protein change: p.Leu362del; deletes leucine 362.
Molecular consequence: inframe deletion.
Genome position (GRCh38, 1-based): chr1:185,923,452-185,923,454, CTT deleted; deleting any 3 consecutive bases within chr1:185,923,448-185,923,454 gives the same sequence; the position shown is the placement nearest the transcript's 3' end. VCF-style (leftmost placement, unchanged base first): chr1-185923447-ATCT-A. GRCh37 (hg19) VCF-style: chr1-185892579-ATCT-A.
Other names: short protein forms L362del.
Identifiers: ClinVar variation 2843604 (VCV002843604.3), dbSNP rs780540470, ClinGen allele CA1291034.
Genomic context (GRCh38, chr1:185,923,447, plus strand): 5'-TAGGAATACCTACCTATGTACTGCTCAATACTTCTGGAATTTCCACTCCAGCTAGAATAG[ATCT>A]TCTTGAACTTTTGAGTATCTCAGGAAGTTCTCTTAAGACTATTCCTGTTAAATATTACCC-3'